The following is an entry in ClinVar:

NM_001382567.1(STIM1):c.872A>C (p.Asn291Thr)

Gene: STIM1 (stromal interaction molecule 1; plus strand). Cytogenetic location: 11p15.4.
Variant type: single nucleotide variant.
Coding change: c.872A>C on transcript NM_001382567.1 (MANE Select); coding-DNA position 872, A replaced by C.
Protein change: p.Asn291Thr; replaces asparagine 291 with threonine.
Molecular consequence: missense variant.
Genome position (GRCh38, 1-based): chr11:4,074,582, A>C. VCF-style: chr11-4074582-A-C. GRCh37 (hg19) VCF-style: chr11-4095812-A-C.
Other names: c.872A>C (NM_003156.3); c.872A>C, p.Asn291Thr (NM_001277961.3, NM_001277962.2, NM_001382568.1 and 2 more transcripts); c.650A>C, p.Asn217Thr (NM_001382566.1, NM_001382573.1, NM_001382574.1 and 5 more transcripts); c.737A>C, p.Asn246Thr (NM_001382569.1); c.644A>C, p.Asn215Thr (NM_001382570.1); c.392A>C, p.Asn131Thr (NM_001382571.1); c.383A>C, p.Asn128Thr (NM_001382580.1, NM_001382581.1); short protein forms N291T, N217T, N215T, N246T, N128T, N131T.
Identifiers: ClinVar variation 1473215 (VCV001473215.10), dbSNP rs138848040, ClinGen allele CA216526509.

ClinVar aggregate classification (germline): Uncertain significance. Review status: criteria provided, multiple submitters, no conflicts (2 of 4 stars). 2 submissions from 2 submitters: Uncertain significance (2). Last evaluated 2025-12-01.

Conditions:
Inborn genetic diseases. Identifiers: MedGen C0950123, MeSH D030342.
Stormorken syndrome (STRMK). Also called: THROMBOCYTOPATHY, ASPLENIA, AND MIOSIS. Identifiers: Orphanet 3204, MedGen C1861451, MONDO:0008497, OMIM 185070.
Combined immunodeficiency due to STIM1 deficiency. Also called: STIM1 DEFICIENCY; IMMUNODEFICIENCY 10. Identifiers: Orphanet 169090, Orphanet 317430, MedGen C2748557, MONDO:0013008, OMIM 612783.
Myopathy with tubular aggregates (TAM). Also called: Tubular Aggregate Myopathy. Identifiers: Orphanet 2593, MedGen C0410207, MONDO:0008051.

Submissions (2):

Labcorp Genetics (formerly Invitae), Labcorp
Classification: Uncertain significance for Myopathy with tubular aggregates; Combined immunodeficiency due to STIM1 deficiency; Stormorken syndrome. Last evaluated: 2025-12-01. Review status: criteria provided, single submitter. Criteria: Invitae Variant Classification Sherloc (09022015). Collection method: clinical testing. Allele origin: germline.
Comment: This sequence change replaces asparagine, which is neutral and polar, with threonine, which is neutral and polar, at codon 291 of the STIM1 protein (p.Asn291Thr). This variant is present in population databases (rs138848040, gnomAD 0.01%). This variant has not been reported in the literature in individuals affected with STIM1-related conditions. ClinVar contains an entry for this variant (Variation ID: 1473215). Invitae Evidence Modeling of protein sequence and biophysical properties (such as structural, functional, and spatial information, amino acid conservation, physicochemical variation, residue mobility, and thermodynamic stability) has been performed for this missense variant. However, the output from this modeling did not meet the statistical confidence thresholds required to predict the impact of this variant on STIM1 protein function. In summary, the available evidence is currently insufficient to determine the role of this variant in disease. Therefore, it has been classified as a Variant of Uncertain Significance.

Ambry Genetics
Classification: Uncertain significance for Inborn genetic diseases. Last evaluated: 2025-07-16. Review status: criteria provided, single submitter. Criteria: Ambry Variant Classification Scheme 2023. Collection method: clinical testing. Allele origin: germline.